The following is an entry in ClinVar:

NM_001370259.2(MEN1):c.1445G>A (p.Gly482Asp)

Gene: MEN1 (menin 1; minus strand). Cytogenetic location: 11q13.1.
Variant type: single nucleotide variant.
Coding change: c.1445G>A on transcript NM_001370259.2 (MANE Select); coding-DNA position 1445, G replaced by A.
Protein change: p.Gly482Asp; replaces glycine 482 with aspartic acid.
Molecular consequence: missense variant. On other transcripts: non-coding transcript variant (4).
Genome position (GRCh38, 1-based): chr11:64,804,722, C>T on the plus strand (G>A on the coding strand, the complement: MEN1 is on the minus strand). VCF-style: chr11-64804722-C-T. GRCh37 (hg19) VCF-style: chr11-64572194-C-T.
Other names: c.1460G>A, p.Gly487Asp (NM_000244.4, NM_130800.3, NM_130801.3 and 4 more transcripts); c.1571G>A, p.Gly524Asp (NM_001370251.2, NM_001407142.1, NM_001407143.1 and 1 more transcripts); c.1445G>A, p.Gly482Asp (NM_001370260.2, NM_001370261.2, NM_130799.3 and 2 more transcripts); c.1340G>A, p.Gly447Asp (NM_001370262.2, NM_001370263.2, NM_001407148.1 and 1 more transcripts); c.1586G>A, p.Gly529Asp (NM_001407150.1); c.1466G>A, p.Gly489Asp (NM_001407151.1); c.1280G>A, p.Gly427Asp (NM_001407152.1); short protein forms G524D, G427D, G489D, G529D, G447D, G482D, G487D.
Identifiers: ClinVar variation 2862163 (VCV002862163.3), dbSNP rs2136089753, ClinGen allele CA381179288.

ClinVar aggregate classification (germline): Uncertain significance (1 of 4 stars; one submission).

Conditions:
Multiple endocrine neoplasia, type 1 (MEN1). Also called: MEA I; MEN I; WERMER SYNDROME; Endocrine adenomatosis multiple; MEN 1. Identifiers: Orphanet 652, MedGen C0025267, MeSH D018761, MONDO:0007540, OMIM 131100.

Submission:

Labcorp Genetics (formerly Invitae), Labcorp
Classification: Uncertain significance for Multiple endocrine neoplasia, type 1. Last evaluated: 2023-05-05. Review status: criteria provided, single submitter. Criteria: Invitae Variant Classification Sherloc (09022015). Collection method: clinical testing. Allele origin: germline.
Comment: Advanced modeling of protein sequence and biophysical properties (such as structural, functional, and spatial information, amino acid conservation, physicochemical variation, residue mobility, and thermodynamic stability) performed at Invitae indicates that this missense variant is expected to disrupt MEN1 protein function. In summary, the available evidence is currently insufficient to determine the role of this variant in disease. Therefore, it has been classified as a Variant of Uncertain Significance. This variant has not been reported in the literature in individuals affected with MEN1-related conditions. This variant is not present in population databases (gnomAD no frequency). This sequence change replaces glycine, which is neutral and non-polar, with aspartic acid, which is acidic and polar, at codon 482 of the MEN1 protein (p.Gly482Asp).